The following is an entry in ClinVar:

ClinVar aggregate classification (germline): Likely benign (0 of 4 stars; one submission).

Conditions:
ISL1-related disorder. Also called: ISL1-related condition.

gnomAD v4.1: 6 of 1,614,070 alleles (0.00037%); highest among the groups gnomAD compares: Non-Finnish European, 0.00051%; no homozygotes.

Submission:

PreventionGenetics, part of Exact Sciences
Classification: Likely benign for ISL1-related condition. Last evaluated: 2021-12-02. Review status: no assertion criteria provided. Collection method: clinical testing. Allele origin: germline.
Comment: This variant is classified as likely benign based on ACMG/AMP sequence variant interpretation guidelines (Richards et al. 2015 PMID: 25741868, with internal and published modifications).

NM_002202.3(ISL1):c.120G>T (p.Ala40=)

Gene: ISL1 (ISL LIM homeobox 1; plus strand). Cytogenetic location: 5q11.1.
Variant type: single nucleotide variant.
Coding change: c.120G>T on transcript NM_002202.3 (MANE Select); coding-DNA position 120, G replaced by T.
Protein change: p.Ala40=; no amino-acid change (alanine 40 retained).
Molecular consequence: synonymous variant.
Genome position (GRCh38, 1-based): chr5:51,384,632, G>T. VCF-style: chr5-51384632-G-T. GRCh37 (hg19) VCF-style: chr5-50680466-G-T.
Identifiers: ClinVar variation 3355052 (VCV003355052.1).
Genomic context (GRCh38, chr5:51,384,632, plus strand): 5'-CGGCAATCAGATTCACGATCAGTATATTCTGAGGGTTTCTCCGGATTTGGAATGGCATGC[G>T]GCATGTTTGAAATGTGCGGAGTGTAATCAGTATTTGGACGAGAGCTGTACATGCTTTGTT-3'
Protein context (NP_002193.2, residues 30-50): LRVSPDLEWH[Ala40=]ACLKCAECNQ